The following is an entry in ClinVar:

NM_000268.4(NF2):c.1386C>T (p.Arg462=)

Gene: NF2 (NF2, moesin-ezrin-radixin like (MERLIN) tumor suppressor; plus strand). Cytogenetic location: 22q12.2.
Variant type: single nucleotide variant.
Coding change: c.1386C>T on transcript NM_000268.4 (MANE Select); coding-DNA position 1386, C replaced by T.
Protein change: p.Arg462=; no amino-acid change (arginine 462 retained).
Molecular consequence: synonymous variant. On other transcripts: non-coding transcript variant (1), intron variant (1).
Genome position (GRCh38, 1-based): chr22:29,674,881, C>T. VCF-style: chr22-29674881-C-T. GRCh37 (hg19) VCF-style: chr22-30070870-C-T.
Other names: c.1386C>T, p.Arg462= (NM_016418.5, NM_181825.3, NM_181832.3); c.1260C>T, p.Arg420= (NM_181828.3); c.1263C>T, p.Arg421= (NM_181829.3); c.1137C>T, p.Arg379= (NM_181830.3, NM_181831.3); c.448-19871C>T (NM_181833.3); c.1386C>T (NM_181832.2).
Identifiers: ClinVar variation 417145 (VCV000417145.30), dbSNP rs138354622, ClinGen allele CA029886.
Genomic context (GRCh38, chr22:29,674,881, plus strand): 5'-ATCCTTTCCTTGCAGGGCCAAAGAGGCAGATCAGCTGAAGCAGGACCTGCAGGAAGCACG[C>T]GAGGCGGAGCGAAGAGCCAAGCAGAAGCTCCTGGAGATTGCCACCAAGCCCACGTACCCG-3'
Protein context (NP_000259.1, residues 452-472): DQLKQDLQEA[Arg462=]EAERRAKQKL

ClinVar aggregate classification (germline): Benign/Likely benign. Review status: criteria provided, multiple submitters, no conflicts (2 of 4 stars). 12 submissions from 12 submitters: Benign (7); Likely benign (4). 1 of the submissions does not count toward it. Last evaluated 2026-08-01.

Conditions:
Hereditary cancer-predisposing syndrome. Also called: Hereditary neoplastic syndrome; Neoplastic Syndromes, Hereditary; Hereditary Cancer Syndrome; Tumor predisposition. Identifiers: Orphanet 140162, MedGen C0027672, MeSH D009386, MONDO:0015356.
Neurofibromatosis, type 2 (SWNV). Also called: SCHWANNOMATOSIS, VESTIBULAR; NF2-Related Schwannomatosis; BILATERAL ACOUSTIC NEUROFIBROMATOSIS. Identifiers: Orphanet 637, MedGen C0027832, MONDO:0007039, OMIM 101000. Disease mechanism: loss of function.
NF2-related disorder. Also called: NF2-related condition.

Allele frequency attached by ClinVar (database versions not stated): gnomAD exomes 0.00014 and 0.00019; ESP Exome Variant Server 0.00054; ExAC 0.00063; TOPMed 0.00080; gnomAD 0.00082 and 0.00086; 1000 Genomes Project 30x 0.00172; 1000 Genomes Project 0.00180.
gnomAD v4.1: 334 of 1,572,596 alleles (0.021%); highest among the groups gnomAD compares: African/African-American, 0.28%; no homozygotes.

Submissions (12):

CeGaT Center for Human Genetics Tuebingen
Classification: Likely benign. Last evaluated: 2026-08-01. Review status: criteria provided, single submitter. Criteria: CeGaT Center For Human Genetics Tuebingen Variant Classification Criteria Version 2. Collection method: clinical testing. Allele origin: germline. Affected: yes. Observed: 2 variant alleles.
Comment: NF2: BP4, BP7

Labcorp Genetics (formerly Invitae), Labcorp
Classification: Benign for Neurofibromatosis, type 2. Last evaluated: 2026-01-26. Review status: criteria provided, single submitter. Criteria: Invitae Variant Classification Sherloc (09022015). Collection method: clinical testing. Allele origin: germline.

Blueprint Genetics
Classification: Likely benign. Last evaluated: 2024-11-25. Review status: criteria provided, single submitter. Criteria: ACMG Guidelines, 2015. Collection method: clinical testing. Allele origin: germline.

Mendelics
Classification: Benign for Neurofibromatosis, type 2. Last evaluated: 2023-08-22. Review status: criteria provided, single submitter. Criteria: Mendelics Assertion Criteria 2019. Collection method: clinical testing. Allele origin: germline.

KCCC/NGS Laboratory, Kuwait Cancer Control Center
Classification: Benign for Neurofibromatosis, type 2. Last evaluated: 2023-07-07. Review status: criteria provided, single submitter. Criteria: ACMG Guidelines, 2015. Collection method: clinical testing. Allele origin: germline. Affected: yes.

Color Diagnostics, LLC DBA Color Health
Classification: Benign for Neurofibromatosis, type 2. Last evaluated: 2023-04-07. Review status: criteria provided, single submitter. Criteria: ACMG Guidelines, 2015. Collection method: clinical testing. Allele origin: germline.

Genome-Nilou Lab
Classification: Benign for Neurofibromatosis, type 2. Last evaluated: 2021-11-07. Review status: criteria provided, single submitter. Criteria: ACMG Guidelines, 2015. Collection method: clinical testing. Allele origin: germline. Affected: no.

Sema4
Classification: Likely benign for Hereditary cancer-predisposing syndrome. Last evaluated: 2021-08-23. Review status: criteria provided, single submitter. Criteria: Sema4 Curation Guidelines. Collection method: curation. Allele origin: germline.

Women's Health and Genetics/Laboratory Corporation of America, LabCorp
Classification: Benign. Last evaluated: 2018-11-19. Review status: criteria provided, single submitter. Criteria: LabCorp Variant Classification Summary - May 2015. Collection method: clinical testing. Allele origin: germline.
Comment: Variant summary: NF2 c.1386C>T alters a non-conserved nucleotide resulting in a synonymous change. Several computational tools predict a significant impact on normal splicing: Five predict the variant creates a cryptic 5' donor site. However, these predictions have yet to be confirmed by functional studies. The variant allele was found at a frequency of 0.00034 in 210304 control chromosomes, predominantly at a frequency of 0.0033 within the African subpopulation in the gnomAD database. The observed variant frequency within African control individuals in the gnomAD database is approximately 174 fold of the estimated maximal expected allele frequency for a pathogenic variant in NF2 causing Neurofibromatosis Type 2 phenotype (1.9e-05), strongly suggesting that the variant is a benign polymorphism found primarily in populations of African origin. To our knowledge, no occurrence of c.1386C>T in individuals affected with Neurofibromatosis Type 2 and no experimental evidence demonstrating its impact on protein function have been reported. Four clinical diagnostic laboratories have submitted clinical-significance assessments for this variant to ClinVar after 2014 without evidence for independent evaluation, 3 classified as likely benign/benign while one classified as VUS. Based on the evidence outlined above, the variant was classified as benign.

Ambry Genetics
Classification: Likely benign for Hereditary cancer-predisposing syndrome. Last evaluated: 2017-03-20. Review status: criteria provided, single submitter. Criteria: Ambry Variant Classification Scheme 2023. Collection method: clinical testing. Allele origin: germline.

Athena Diagnostics
Classification: Benign. Last evaluated: 2016-12-30. Review status: criteria provided, single submitter. Criteria: Athena Diagnostics Criteria. Collection method: clinical testing. Allele origin: germline.

PreventionGenetics, part of Exact Sciences
Classification: Likely benign for NF2-related condition. Last evaluated: 2022-01-10. Review status: no assertion criteria provided. Collection method: clinical testing. Allele origin: germline. Not counted in ClinVar's aggregate classification.
Comment: This variant is classified as likely benign based on ACMG/AMP sequence variant interpretation guidelines (Richards et al. 2015 PMID: 25741868, with internal and published modifications).